The following is an entry in ClinVar:

ClinVar aggregate classification (germline): Conflicting classifications of pathogenicity. Review status: criteria provided, conflicting classifications (1 of 4 stars). 3 submissions from 3 submitters: Uncertain significance (2); Benign (1). Last evaluated 2025-07-09.

Conditions:
CHARGE syndrome (CHARGE). Also called: Hittner Hirsch Kreh syndrome; CHARGE ASSOCIATION--COLOBOMA, HEART ANOMALY, CHOANAL ATRESIA, RETARDATION, GENITAL AND EAR ANOMALIES; Coloboma, heart anomaly, choanal atresia, retardation, genital and ear anomalies; CHARGE association; Hall-Hittner syndrome. Identifiers: Orphanet 138, MedGen C0265354, MONDO:0008965.
Hypogonadotropic hypogonadism 5 with or without anosmia (KAL5). Also called: HYPOGONADOTROPIC HYPOGONADISM 5 WITH ANOSMIA; CHD7-Related GnRH Deficiency (Kallmann Syndrome 5); HYPOGONADOTROPHIC HYPOGONADISM 5 WITHOUT ANOSMIA. Identifiers: Orphanet 478, MedGen C3552553, MONDO:0012880, OMIM 612370. Disease mechanism: loss of function.

Allele frequency attached by ClinVar (database versions not stated): gnomAD 0.00001; ExAC 0.00003; gnomAD exomes 0.00003.
gnomAD v4.1: 15 of 1,565,456 alleles (0.00096%); highest among the groups gnomAD compares: South Asian, 0.0094%; no homozygotes.

Submissions (3):

Labcorp Genetics (formerly Invitae), Labcorp
Classification: Benign for CHARGE syndrome. Last evaluated: 2025-07-09. Review status: criteria provided, single submitter. Criteria: Invitae Variant Classification Sherloc (09022015). Collection method: clinical testing. Allele origin: germline.

Fulgent Genetics
Classification: Uncertain significance for CHD7-related CHARGE syndrome; Hypogonadotropic hypogonadism 5 with or without anosmia. Last evaluated: 2021-11-02. Review status: criteria provided, single submitter. Criteria: ACMG Guidelines, 2015. Collection method: clinical testing. Allele origin: unknown.

Genetic Services Laboratory, University of Chicago
Classification: Uncertain significance. Last evaluated: 2020-07-09. Review status: criteria provided, single submitter. Criteria: ACMG Guidelines, 2015. Collection method: clinical testing. Allele origin: germline. Affected: no.
Comment: DNA sequence analysis of the CHD7 gene demonstrated a sequence change, c.1967C>T, in exon 3 that results in an amino acid change, p.Pro656Leu. This sequence change does not appear to have been previously described in patients with CHD7-related disorders and has been described in the gnomAD database in five heterozygous individuals which corresponds to the population frequency of 0.0028% (dbSNP rs776871277). The p.Pro656Leu change affects a highly conserved amino acid residue located in a domain of the CHD7 protein that is not known to be functional. The p.Pro656Leu substitution appears to be benign using several in-silico pathogenicity prediction tools (SIFT, PolyPhen2, Align GVGD, REVEL). Due to these contrasting evidences and the lack of functional studies, the clinical significance of the p.Pro656Leu change remains unknown at this time.

NM_017780.4(CHD7):c.1967C>T (p.Pro656Leu)

Genes: CHD7 (chromodomain helicase DNA binding protein 7; plus strand), LOC126860403 (CDK7 strongly-dependent group 2 enhancer GRCh37_chr8:61693034-61694233; plus strand). Cytogenetic location: 8q12.2.
Variant type: single nucleotide variant.
Coding change: c.1967C>T on transcript NM_017780.4 (MANE Select); coding-DNA position 1967, C replaced by T.
Protein change: p.Pro656Leu; replaces proline 656 with leucine.
Molecular consequence: missense variant. On other transcripts: intron variant (1).
Genome position (GRCh38, 1-based): chr8:60,781,301, C>T. VCF-style: chr8-60781301-C-T. GRCh37 (hg19) VCF-style: chr8-61693860-C-T.
Other names: c.1716+251C>T (NM_001316690.1); short protein forms P656L.
Identifiers: ClinVar variation 1337650 (VCV001337650.11), dbSNP rs776871277, ClinGen allele CA4759593.